The following is an entry in ClinVar:

NM_024577.4(SH3TC2):c.2090G>T (p.Gly697Val)

Gene: SH3TC2 (SH3 domain and tetratricopeptide repeats 2; minus strand). Cytogenetic location: 5q32.
Variant type: single nucleotide variant.
Coding change: c.2090G>T on transcript NM_024577.4 (MANE Select); coding-DNA position 2090, G replaced by T.
Protein change: p.Gly697Val; replaces glycine 697 with valine.
Molecular consequence: missense variant.
Genome position (GRCh38, 1-based): chr5:149,027,642, C>A on the plus strand (G>T on the coding strand, the complement: SH3TC2 is on the minus strand). VCF-style: chr5-149027642-C-A. GRCh37 (hg19) VCF-style: chr5-148407205-C-A.
Other names: short protein forms G697V.
Identifiers: ClinVar variation 1370752 (VCV001370752.6), dbSNP rs2127397326, ClinGen allele CA361667100.

ClinVar aggregate classification (germline): Uncertain significance (1 of 4 stars; one submission).

Conditions:
Charcot-Marie-Tooth disease type 4. Also called: Charcot-Marie-Tooth disease, type IV; Charcot-Marie-Tooth, Type 4. Identifiers: Orphanet 64749, MedGen C4082197, MONDO:0018995.

Submission:

Labcorp Genetics (formerly Invitae), Labcorp
Classification: Uncertain significance for Charcot-Marie-Tooth disease type 4. Last evaluated: 2024-10-15. Review status: criteria provided, single submitter. Criteria: Invitae Variant Classification Sherloc (09022015). Collection method: clinical testing. Allele origin: germline.
Comment: This sequence change replaces glycine, which is neutral and non-polar, with valine, which is neutral and non-polar, at codon 697 of the SH3TC2 protein (p.Gly697Val). This variant is not present in population databases (gnomAD no frequency). This variant has not been reported in the literature in individuals affected with SH3TC2-related conditions. ClinVar contains an entry for this variant (Variation ID: 1370752). Invitae Evidence Modeling of protein sequence and biophysical properties (such as structural, functional, and spatial information, amino acid conservation, physicochemical variation, residue mobility, and thermodynamic stability) indicates that this missense variant is not expected to disrupt SH3TC2 protein function with a negative predictive value of 95%. In summary, the available evidence is currently insufficient to determine the role of this variant in disease. Therefore, it has been classified as a Variant of Uncertain Significance.